The following is an entry in ClinVar:

ClinVar aggregate classification (germline): Likely benign (1 of 4 stars; one submission).

Conditions:
Familial cancer of breast. Also called: BREAST CANCER, FAMILIAL; Hereditary breast cancer; hereditary breast carcinoma. Identifiers: Orphanet 227535, MedGen C0346153, MONDO:0016419, OMIM 114480. Disease mechanism: loss of function.

Submission:

Myriad Genetics, Inc.
Classification: Likely benign for Familial cancer of breast. Last evaluated: 2024-05-10. Review status: criteria provided, single submitter. Criteria: Myriad Autosomal Dominant, Autosomal Recessive and X-Linked Classification Criteria (2023). Collection method: clinical testing. Allele origin: unknown.
Comment: This variant is considered likely benign. This variant is intronic and is not expected to impact mRNA splicing.

NM_000051.4(ATM):c.2639-10T>C

Gene: ATM (ATM serine/threonine kinase; plus strand). Cytogenetic location: 11q22.3.
Variant type: single nucleotide variant.
Coding change: c.2639-10T>C on transcript NM_000051.4 (MANE Select); 10 bases into the intron before coding-DNA position 2639, T replaced by C.
Molecular consequence: intron variant.
Genome position (GRCh38, 1-based): chr11:108,268,400, T>C. VCF-style: chr11-108268400-T-C. GRCh37 (hg19) VCF-style: chr11-108139127-T-C.
Other names: c.2639-10T>C (NM_001351834.2).
Identifiers: ClinVar variation 3254531 (VCV003254531.1), dbSNP rs2135522684.